The following is an entry in ClinVar:

ClinVar aggregate classification (germline): Benign. Review status: criteria provided, multiple submitters, no conflicts (2 of 4 stars). 3 submissions from 3 submitters: Benign (2). 1 of the submissions does not count toward it. Last evaluated 2018-12-12.

Conditions:
PREX2-related disorder. Also called: PREX2-related condition.

Allele frequency attached by ClinVar (database versions not stated): gnomAD exomes 0.49696 and 0.50178; ExAC 0.50657; 1000 Genomes Project 0.56170; 1000 Genomes Project 30x 0.57121; TOPMed 0.58620; gnomAD 0.58873 and 0.59888; ESP Exome Variant Server 0.60272.
gnomAD v4.1: 820,199 of 1,607,770 alleles (51%); highest among the groups gnomAD compares: African/African-American, 84%; 216,429 homozygotes.

Submissions (3):

GeneDx
Classification: Benign. Last evaluated: 2018-12-12. Review status: criteria provided, single submitter. Criteria: GeneDx Variant Classification Process June 2021. Collection method: clinical testing. Allele origin: germline. Affected: yes.

Breakthrough Genomics
Classification: Benign. Review status: criteria provided, single submitter. Criteria: ACMG Guidelines, 2015. Collection method: not provided. Allele origin: germline. Inheritance: Unknown mechanism. Affected: yes.

PreventionGenetics, part of Exact Sciences
Classification: Benign for PREX2-related condition. Last evaluated: 2019-10-17. Review status: no assertion criteria provided. Collection method: clinical testing. Allele origin: germline. Not counted in ClinVar's aggregate classification.
Comment: This variant is classified as benign based on ACMG/AMP sequence variant interpretation guidelines (Richards et al. 2015 PMID: 25741868, with internal and published modifications).

NM_024870.4(PREX2):c.1195C>A (p.Arg399=)

Gene: PREX2 (phosphatidylinositol-3,4,5-trisphosphate dependent Rac exchange factor 2; plus strand). Cytogenetic location: 8q13.2.
Variant type: single nucleotide variant.
Coding change: c.1195C>A on transcript NM_024870.4 (MANE Select); coding-DNA position 1195, C replaced by A.
Protein change: p.Arg399=; no amino-acid change (arginine 399 retained).
Molecular consequence: synonymous variant.
Genome position (GRCh38, 1-based): chr8:68,055,931, C>A. VCF-style: chr8-68055931-C-A. GRCh37 (hg19) VCF-style: chr8-68968166-C-A.
Other names: c.1195C>A, p.Arg399= (NM_025170.6); c.1195C>A (NM_024870.3).
Identifiers: ClinVar variation 1274701 (VCV001274701.4), dbSNP rs1434774, ClinGen allele CA4773525.